The following is an entry in ClinVar:

ClinVar aggregate classification (germline): Uncertain significance (1 of 4 stars; one submission).

Conditions:
Early-onset Lafora body disease. Also called: Epilepsy, progressive myoclonic, 10. Identifiers: Orphanet 324290, MedGen C4225258, MONDO:0014717, OMIM 616640.

Submission:

Labcorp Genetics (formerly Invitae), Labcorp
Classification: Uncertain significance for Early-onset Lafora body disease. Last evaluated: 2024-06-17. Review status: criteria provided, single submitter. Criteria: Invitae Variant Classification Sherloc (09022015). Collection method: clinical testing. Allele origin: germline.
Comment: This sequence change replaces glycine, which is neutral and non-polar, with aspartic acid, which is acidic and polar, at codon 324 of the PRDM8 protein (p.Gly324Asp). This variant is not present in population databases (gnomAD no frequency). This variant has not been reported in the literature in individuals affected with PRDM8-related conditions. Advanced modeling of protein sequence and biophysical properties (such as structural, functional, and spatial information, amino acid conservation, physicochemical variation, residue mobility, and thermodynamic stability) performed at Invitae indicates that this missense variant is not expected to disrupt PRDM8 protein function with a negative predictive value of 80%. In summary, the available evidence is currently insufficient to determine the role of this variant in disease. Therefore, it has been classified as a Variant of Uncertain Significance.

NM_001099403.2(PRDM8):c.971G>A (p.Gly324Asp)

Genes: PRDM8 (PR/SET domain 8; plus strand), LOC129992744 (ATAC-STARR-seq lymphoblastoid silent region 15521; plus strand). Cytogenetic location: 4q21.21.
Variant type: single nucleotide variant.
Coding change: c.971G>A on transcript NM_001099403.2 (MANE Select); coding-DNA position 971, G replaced by A.
Protein change: p.Gly324Asp; replaces glycine 324 with aspartic acid.
Molecular consequence: missense variant.
Genome position (GRCh38, 1-based): chr4:80,202,433, G>A. VCF-style: chr4-80202433-G-A. GRCh37 (hg19) VCF-style: chr4-81123587-G-A.
Other names: c.971G>A, p.Gly324Asp (NM_020226.4); short protein forms G324D.
Identifiers: ClinVar variation 3656830 (VCV003656830.2).